The following is an entry in ClinVar:

NM_004787.4(SLIT2):c.635A>T (p.Tyr212Phe)

Gene: SLIT2 (slit guidance ligand 2; plus strand). Cytogenetic location: 4p15.31.
Variant type: single nucleotide variant.
Coding change: c.635A>T on transcript NM_004787.4 (MANE Select); coding-DNA position 635, A replaced by T.
Protein change: p.Tyr212Phe; replaces tyrosine 212 with phenylalanine.
Molecular consequence: missense variant.
Genome position (GRCh38, 1-based): chr4:20,488,842, A>T. VCF-style: chr4-20488842-A-T. GRCh37 (hg19) VCF-style: chr4-20490465-A-T.
Other names: c.635A>T, p.Tyr212Phe (NM_001289135.3, NM_001289136.3); short protein forms Y212F.
Identifiers: ClinVar variation 2503158 (VCV002503158.1), dbSNP rs2546478251, ClinGen allele CA356451800.

ClinVar aggregate classification (germline): Uncertain significance (1 of 4 stars; one submission).

gnomAD v4.1: 1 of 1,609,240 alleles (0.000062%); highest among the groups gnomAD compares: South Asian, 0.0011%; no homozygotes.

Submission:

GeneDx
Classification: Uncertain significance. Last evaluated: 2022-11-17. Review status: criteria provided, single submitter. Criteria: GeneDx Variant Classification Process June 2021. Collection method: clinical testing. Allele origin: germline. Affected: yes.
Comment: Not observed at significant frequency in large population cohorts (gnomAD); In silico analysis supports that this missense variant does not alter protein structure/function; Has not been previously published as pathogenic or benign to our knowledge